The following is an entry in ClinVar:

NM_000868.4(HTR2C):c.139A>G (p.Lys47Glu)

Gene: HTR2C (5-hydroxytryptamine receptor 2C; plus strand). Cytogenetic location: Xq23.
Variant type: single nucleotide variant.
Coding change: c.139A>G on transcript NM_000868.4 (MANE Select); coding-DNA position 139, A replaced by G.
Protein change: p.Lys47Glu; replaces lysine 47 with glutamic acid.
Molecular consequence: missense variant.
Genome position (GRCh38, 1-based): chrX:114,731,397, A>G. VCF-style: chrX-114731397-A-G. GRCh37 (hg19) VCF-style: chrX-113965806-A-G.
Other names: c.139A>G, p.Lys47Glu (NM_001256760.3, NM_001256761.3); short protein forms K47E.
Identifiers: ClinVar variation 5001125 (VCV005001125.1).

ClinVar aggregate classification (germline): Uncertain significance (1 of 4 stars; one submission).

Conditions:
HTR2C-related disorder. Also called: HTR2C-related condition.

gnomAD v4.1: 5 of 1,209,176 alleles (0.00041%); highest among the groups gnomAD compares: South Asian, 0.0088%; no homozygotes.

Submission:

PreventionGenetics, part of Exact Sciences
Classification: Uncertain significance for HTR2C-related condition. Last evaluated: 2025-06-14. Review status: criteria provided, single submitter. Criteria: ACMG Guidelines, 2015. Collection method: clinical testing. Allele origin: germline.
Comment: The HTR2C c.139A>G variant is predicted to result in the amino acid substitution p.Lys47Glu. To our knowledge, this variant has not been reported in the literature. This variant is reported in 0.026% of alleles in individuals of South Asian descent in gnomAD. At this time, the clinical significance of this variant is uncertain due to the absence of conclusive functional and genetic evidence.